The following is an entry in ClinVar:

NM_004813.4(PEX16):c.293T>C (p.Met98Thr)

Gene: PEX16 (peroxisomal biogenesis factor 16; minus strand). Cytogenetic location: 11p11.2.
Variant type: single nucleotide variant.
Coding change: c.293T>C on transcript NM_004813.4 (MANE Select); coding-DNA position 293, T replaced by C.
Protein change: p.Met98Thr; replaces methionine 98 with threonine.
Molecular consequence: missense variant.
Genome position (GRCh38, 1-based): chr11:45,915,769, A>G on the plus strand (T>C on the coding strand, the complement: PEX16 is on the minus strand). VCF-style: chr11-45915769-A-G. GRCh37 (hg19) VCF-style: chr11-45937320-A-G.
Other names: c.293T>C, p.Met98Thr (NM_057174.3); short protein forms M98T.
Identifiers: ClinVar variation 1464249 (VCV001464249.8), dbSNP rs755886932, ClinGen allele CA5960025.

ClinVar aggregate classification (germline): Uncertain significance (1 of 4 stars; one submission).

Conditions:
Peroxisome biogenesis disorder. Identifiers: Orphanet 79189, MedGen C1832200, MONDO:0019234. Disease mechanism: loss of function.

Allele frequency attached by ClinVar (database versions not stated): gnomAD exomes below 0.00001; ExAC 0.00001; TOPMed 0.00002.
gnomAD v4.1: 1 of 1,613,954 alleles (0.000062%); highest among the groups gnomAD compares: Non-Finnish European, 0.000085%; no homozygotes.

Submission:

Labcorp Genetics (formerly Invitae), Labcorp
Classification: Uncertain significance for Peroxisome biogenesis disorder. Last evaluated: 2021-03-03. Review status: criteria provided, single submitter. Criteria: Invitae Variant Classification Sherloc (09022015). Collection method: clinical testing. Allele origin: germline.
Comment: This sequence change replaces methionine with threonine at codon 98 of the PEX16 protein (p.Met98Thr). The methionine residue is highly conserved and there is a moderate physicochemical difference between methionine and threonine. This variant is present in population databases (rs755886932, ExAC 0.002%). This variant has not been reported in the literature in individuals with PEX16-related conditions. Algorithms developed to predict the effect of missense changes on protein structure and function are either unavailable or do not agree on the potential impact of this missense change (SIFT: "Deleterious"; PolyPhen-2: "Benign"; Align-GVGD: "Class C55"). In summary, the available evidence is currently insufficient to determine the role of this variant in disease. Therefore, it has been classified as a Variant of Uncertain Significance.